The following is an entry in ClinVar:

NM_018062.4(FANCL):c.614A>C (p.Asp205Ala)

Gene: FANCL (FA complementation group L; minus strand). Cytogenetic location: 2p16.1.
Variant type: single nucleotide variant.
Coding change: c.614A>C on transcript NM_018062.4 (MANE Select); coding-DNA position 614, A replaced by C.
Protein change: p.Asp205Ala; replaces aspartic acid 205 with alanine.
Molecular consequence: missense variant.
Genome position (GRCh38, 1-based): chr2:58,165,801, T>G on the plus strand (A>C on the coding strand, the complement: FANCL is on the minus strand). VCF-style: chr2-58165801-T-G. GRCh37 (hg19) VCF-style: chr2-58392936-T-G.
Other names: c.629A>C, p.Asp210Ala (NM_001114636.2); c.659A>C, p.Asp220Ala (NM_001374615.1); c.674A>C, p.Asp225Ala (NM_001410792.1); short protein forms D210A, D225A, D220A, D205A.
Identifiers: ClinVar variation 2078733 (VCV002078733.4), dbSNP rs1467106277, ClinGen allele CA346937383.

ClinVar aggregate classification (germline): Uncertain significance. Review status: criteria provided, multiple submitters, no conflicts (2 of 4 stars). 2 submissions from 2 submitters: Uncertain significance (2). Last evaluated 2024-12-11.

Conditions:
Fanconi anemia (FA). Also called: Fanconi's anemia. Identifiers: Orphanet 84, MedGen C0015625, MeSH D005199, MONDO:0019391.
Inborn genetic diseases. Identifiers: MedGen C0950123, MeSH D030342.

gnomAD v4.1: 2 of 1,614,002 alleles (0.00012%); highest among the groups gnomAD compares: Admixed American, 0.0033%; no homozygotes.

Submissions (2):

Ambry Genetics
Classification: Uncertain significance for Inborn genetic diseases. Last evaluated: 2024-12-11. Review status: criteria provided, single submitter. Criteria: Ambry Variant Classification Scheme 2023. Collection method: clinical testing. Allele origin: germline.

Labcorp Genetics (formerly Invitae), Labcorp
Classification: Uncertain significance for Fanconi anemia. Last evaluated: 2022-07-14. Review status: criteria provided, single submitter. Criteria: Invitae Variant Classification Sherloc (09022015). Collection method: clinical testing. Allele origin: germline.
Comment: This sequence change replaces aspartic acid, which is acidic and polar, with alanine, which is neutral and non-polar, at codon 205 of the FANCL protein (p.Asp205Ala). This variant is not present in population databases (gnomAD no frequency). This variant has not been reported in the literature in individuals affected with FANCL-related conditions. Algorithms developed to predict the effect of missense changes on protein structure and function are either unavailable or do not agree on the potential impact of this missense change (SIFT: "Tolerated"; PolyPhen-2: "Probably Damaging"; Align-GVGD: "Class C0"). In summary, the available evidence is currently insufficient to determine the role of this variant in disease. Therefore, it has been classified as a Variant of Uncertain Significance.